The following is an entry in ClinVar:

ClinVar aggregate classification (germline): Uncertain significance (1 of 4 stars; one submission).

Conditions:
Type 2 diabetes mellitus. Also called: Type II diabetes mellitus. Identifiers: MedGen C0011860, MeSH D003924, MONDO:0005148, OMIM 125853, HP:0005978.

Submission:

Neuberg Centre For Genomic Medicine, NCGM
Classification: Uncertain significance for Type 2 diabetes mellitus. Review status: criteria provided, single submitter. Criteria: ACMG Guidelines, 2015. Collection method: clinical testing. Allele origin: germline. Inheritance: Autosomal dominant inheritance. Affected: yes.
Comment: The missense variant in c.4082C>A (p.Pro1361Gln) in ABCC8 gene has not been reported previously as a pathogenic variant nor as a benign variant, to our knowledge. The p.Pro1361Gln variant is novel (not in any individuals) in gnomAD Exomes and 1000 Genomes. The amino acid Pro at position 1361 is changed to a Gln changing protein sequence and it might alter its composition and physico-chemical properties. The variant is predicted to be damaging by both SIFT and PolyPhen2. The residue is conserved across species. The amino acid change p.Pro1361Gln in ABCC8 is predicted as conserved by GERP++ and PhyloP across 100 vertebrates. For these reasons, this variant has been classified as Variant of Uncertain Significance (VUS).

NM_000352.6(ABCC8):c.4016C>A (p.Pro1339Gln)

Gene: ABCC8 (ATP binding cassette subfamily C member 8; minus strand). Cytogenetic location: 11p15.1.
Variant type: single nucleotide variant.
Coding change: c.4016C>A on transcript NM_000352.6 (MANE Select); coding-DNA position 4016, C replaced by A.
Protein change: p.Pro1339Gln; replaces proline 1339 with glutamine.
Molecular consequence: missense variant. On other transcripts: non-coding transcript variant (1).
Genome position (GRCh38, 1-based): chr11:17,397,019, G>T on the plus strand (C>A on the coding strand, the complement: ABCC8 is on the minus strand). VCF-style: chr11-17397019-G-T. GRCh37 (hg19) VCF-style: chr11-17418566-G-T.
Other names: c.4019C>A, p.Pro1340Gln (NM_001287174.3); c.4082C>A, p.Pro1361Gln (NM_001351295.2); c.4016C>A, p.Pro1339Gln (NM_001351296.2); c.4013C>A, p.Pro1338Gln (NM_001351297.2); short protein forms P1338Q, P1339Q, P1340Q, P1361Q.
Identifiers: ClinVar variation 2585372 (VCV002585372.1), dbSNP rs1953967565, ClinGen allele CA379791063.